The following is an entry in ClinVar:

NM_020919.4(ALS2):c.468G>A (p.Ala156=)

Gene: ALS2 (alsin Rho guanine nucleotide exchange factor ALS2; minus strand). Cytogenetic location: 2q33.1.
Variant type: single nucleotide variant.
Coding change: c.468G>A on transcript NM_020919.4 (MANE Select); coding-DNA position 468, G replaced by A.
Protein change: p.Ala156=; no amino-acid change (alanine 156 retained).
Molecular consequence: synonymous variant.
Genome position (GRCh38, 1-based): chr2:201,761,526, C>T on the plus strand (G>A on the coding strand, the complement: ALS2 is on the minus strand). VCF-style: chr2-201761526-C-T. GRCh37 (hg19) VCF-style: chr2-202626249-C-T.
Other names: c.468G>A, p.Ala156= (NM_001135745.2).
Identifiers: ClinVar variation 446822 (VCV000446822.13), dbSNP rs145506395, ClinGen allele CA2058647.
Genomic context (GRCh38, chr2:201,761,526, plus strand): 5'-GGTACCCCATGCCCAAATCTCTCTGCTTATTGACAATGCCAGAGTGTGCTCCTCGCCACA[C>T]GCCAACTGTAAAATCCTGACTGCTAACAAAGGGCTGGCCTCAGAATCAGCAATGCTGACA-3'
Protein context (NP_065970.2, residues 146-166): PLLAVRILQL[Ala156=]CGEEHTLALS

ClinVar aggregate classification (germline): Likely benign. Review status: criteria provided, multiple submitters, no conflicts (2 of 4 stars). 3 submissions from 3 submitters: Likely benign (3). Last evaluated 2026-03-01.

Conditions:
Infantile-onset ascending hereditary spastic paralysis (IAHSP). Also called: Autosomal Recessive Juvenile Amyotrophic Lateral Sclerosis; Infantile-Onset Ascending Hereditary Spastic Paralysis (IAHSP). Identifiers: Orphanet 293168, MedGen C2931441, MONDO:0011797, OMIM 607225. Disease mechanism: loss of function.

Allele frequency attached by ClinVar (database versions not stated): TOPMed below 0.00001; ExAC 0.00002; gnomAD 0.00002 and 0.00003; gnomAD exomes 0.00004; 1000 Genomes Project 30x 0.00016; 1000 Genomes Project 0.00020.
gnomAD v4.1: 46 of 1,614,138 alleles (0.0028%); highest among the groups gnomAD compares: Middle Eastern, 0.016%; no homozygotes.

Submissions (3):

CeGaT Center for Human Genetics Tuebingen
Classification: Likely benign. Last evaluated: 2026-03-01. Review status: criteria provided, single submitter. Criteria: CeGaT Center For Human Genetics Tuebingen Variant Classification Criteria Version 2. Collection method: clinical testing. Allele origin: germline. Affected: yes. Observed: 1 variant allele.
Comment: ALS2: BP4, BP7

Labcorp Genetics (formerly Invitae), Labcorp
Classification: Likely benign for Infantile-onset ascending hereditary spastic paralysis. Last evaluated: 2025-09-03. Review status: criteria provided, single submitter. Criteria: Invitae Variant Classification Sherloc (09022015). Collection method: clinical testing. Allele origin: germline.

Athena Diagnostics
Classification: Likely benign. Last evaluated: 2016-12-08. Review status: criteria provided, single submitter. Criteria: Athena Diagnostics Criteria. Collection method: clinical testing. Allele origin: germline.